The following is an entry in ClinVar:

ClinVar aggregate classification (germline): Uncertain significance. Review status: criteria provided, multiple submitters, no conflicts (2 of 4 stars). 2 submissions from 2 submitters: Uncertain significance (2). Last evaluated 2025-09-13.

Conditions:
SCN3A-related disorder. Also called: SCN3A-related condition.

Allele frequency attached by ClinVar (database versions not stated): gnomAD exomes below 0.00001.
gnomAD v4.1: 2 of 1,612,796 alleles (0.00012%); highest among the groups gnomAD compares: African/African-American, 0.0027%; no homozygotes.

Submissions (2):

PreventionGenetics, part of Exact Sciences
Classification: Uncertain significance for SCN3A-related condition. Last evaluated: 2025-09-13. Review status: criteria provided, single submitter. Criteria: ACMG Guidelines, 2015. Collection method: clinical testing. Allele origin: germline.
Comment: The SCN3A c.146C>T variant is predicted to result in the amino acid substitution p.Pro49Leu. To our knowledge, this variant has not been reported in the literature or in a large population database (gnomAD), indicating this variant is rare. At this time, the clinical significance of this variant is uncertain due to the absence of conclusive functional and genetic evidence.

Labcorp Genetics (formerly Invitae), Labcorp
Classification: Uncertain significance. Last evaluated: 2023-10-13. Review status: criteria provided, single submitter. Criteria: Invitae Variant Classification Sherloc (09022015). Collection method: clinical testing. Allele origin: germline.
Comment: This sequence change replaces proline, which is neutral and non-polar, with leucine, which is neutral and non-polar, at codon 49 of the SCN3A protein (p.Pro49Leu). This variant is not present in population databases (gnomAD no frequency). This variant has not been reported in the literature in individuals affected with SCN3A-related conditions. ClinVar contains an entry for this variant (Variation ID: 2120619). Advanced modeling of protein sequence and biophysical properties (such as structural, functional, and spatial information, amino acid conservation, physicochemical variation, residue mobility, and thermodynamic stability) performed at Invitae indicates that this missense variant is not expected to disrupt SCN3A protein function. In summary, the available evidence is currently insufficient to determine the role of this variant in disease. Therefore, it has been classified as a Variant of Uncertain Significance.

NM_006922.4(SCN3A):c.146C>T (p.Pro49Leu)

Gene: SCN3A (sodium voltage-gated channel alpha subunit 3; minus strand). Cytogenetic location: 2q24.3.
Variant type: single nucleotide variant.
Coding change: c.146C>T on transcript NM_006922.4 (MANE Select); coding-DNA position 146, C replaced by T.
Protein change: p.Pro49Leu; replaces proline 49 with leucine.
Molecular consequence: missense variant.
Genome position (GRCh38, 1-based): chr2:165,176,249, G>A on the plus strand (C>T on the coding strand, the complement: SCN3A is on the minus strand). VCF-style: chr2-165176249-G-A. GRCh37 (hg19) VCF-style: chr2-166032759-G-A.
Other names: c.146C>T, p.Pro49Leu (NM_001081676.2, NM_001081677.2); c.146C>T (NM_006922.3); short protein forms P49L.
Identifiers: ClinVar variation 2120619 (VCV002120619.5), dbSNP rs2468565256, ClinGen allele CA349240962.